The following is an entry in ClinVar:

NM_000138.5(FBN1):c.619dup (p.Thr207fs)

Gene: FBN1 (fibrillin 1; minus strand). Cytogenetic location: 15q21.1.
Variant type: Duplication.
Coding change: c.619dup on transcript NM_000138.5 (MANE Select); coding-DNA position 619, one base duplicated (A; older notation c.619dupA).
Protein change: p.Thr207fs; shifts the reading frame from threonine 207.
Molecular consequence: frameshift variant.
Genome position (GRCh38, 1-based): chr15:48,537,728, T duplicated on the plus strand (A on the coding strand, the reverse complement: FBN1 is on the minus strand); the first of 5 consecutive T bases (chr15:48,537,728-48,537,732); duplicating any one gives the same sequence. VCF-style (leftmost placement, unchanged base first): chr15-48537727-G-GT. GRCh37 (hg19) VCF-style: chr15-48829924-G-GT.
Other names: short protein forms T207fs.
Identifiers: ClinVar variation 549334 (VCV000549334.20), dbSNP rs1555401689, ClinGen allele CA658824886.

ClinVar aggregate classification (germline): Pathogenic. Review status: criteria provided, multiple submitters, no conflicts (2 of 4 stars). 3 submissions from 3 submitters: Pathogenic (2). 1 of the submissions does not count toward it. Last evaluated 2024-08-05.

Conditions:
Familial thoracic aortic aneurysm and aortic dissection (TAAD). Also called: Thoracic aortic aneurysms and dissections. Identifiers: Orphanet 91387, MedGen C4707243, MONDO:0019625.
Marfan syndrome (MFS). Also called: Marfan syndrome type 1; Marfan syndrome, classic; Marfan's syndrome; FBN1-Related Marfan Syndrome; MARFAN SYNDROME, TYPE I. Identifiers: Orphanet 284963, Orphanet 558, MedGen C0024796, MONDO:0007947, OMIM 154700.

Submissions (3):

Labcorp Genetics (formerly Invitae), Labcorp
Classification: Pathogenic for Marfan syndrome; Familial thoracic aortic aneurysm and aortic dissection. Last evaluated: 2024-08-05. Review status: criteria provided, single submitter. Criteria: Invitae Variant Classification Sherloc (09022015). Collection method: clinical testing. Allele origin: germline.
Comment: This sequence change creates a premature translational stop signal (p.Thr207Asnfs*16) in the FBN1 gene. It is expected to result in an absent or disrupted protein product. Loss-of-function variants in FBN1 are known to be pathogenic (PMID: 17657824, 19293843). This variant is not present in population databases (gnomAD no frequency). This premature translational stop signal has been observed in individual(s) with Marfan syndrome (PMID: 21542060). ClinVar contains an entry for this variant (Variation ID: 549334). For these reasons, this variant has been classified as Pathogenic.

Centre of Medical Genetics, University of Antwerp
Classification: Pathogenic for Marfan syndrome. Last evaluated: 2021-03-01. Review status: criteria provided, single submitter. Criteria: Submitter's publication. Collection method: research. Allele origin: unknown. Affected: yes.
Comment: PM2, PVS1, PP4

Center for Medical Genetics Ghent, University of Ghent
Classification: Likely pathogenic for Marfan syndrome. Last evaluated: 2017-11-07. Review status: no assertion criteria provided. Collection method: clinical testing. Allele origin: germline. Affected: yes. Not counted in ClinVar's aggregate classification.

Literature cited by the submitters: PubMed 17657824 (cited by Labcorp Genetics (formerly Invitae), Labcorp); PubMed 19293843 (cited by Labcorp Genetics (formerly Invitae), Labcorp); PubMed 21542060 (cited by Labcorp Genetics (formerly Invitae), Labcorp).